The following is an entry in ClinVar:

NM_005223.4(DNASE1):c.543C>T (p.Gly181=)

Gene: DNASE1 (deoxyribonuclease 1; plus strand). Cytogenetic location: 16p13.3.
Variant type: single nucleotide variant.
Coding change: c.543C>T on transcript NM_005223.4 (MANE Select); coding-DNA position 543, C replaced by T.
Protein change: p.Gly181=; no amino-acid change (glycine 181 retained).
Molecular consequence: synonymous variant. On other transcripts: non-coding transcript variant (2).
Genome position (GRCh38, 1-based): chr16:3,657,105, C>T. VCF-style: chr16-3657105-C-T. GRCh37 (hg19) VCF-style: chr16-3707106-C-T.
Other names: c.543C>T, p.Gly181= (NM_001351825.2, NM_001387135.1, NM_001387140.1); c.612C>T, p.Gly204= (NM_001387139.1); c.336C>T, p.Gly112= (NM_001387141.1).
Identifiers: ClinVar variation 3239206 (VCV003239206.19), dbSNP rs757292367.
Genomic context (GRCh38, chr16:3,657,105, plus strand): 5'-CGCAGTAGCCGAGATCGACGCTCTCTATGACGTCTACCTGGATGTCCAAGAGAAATGGGG[C>T]TTGGAGGTGAGGCCCTCCCAGGGGCAGTGGGCACCAGCGGCCTCCGCATGTCCCAGGGCC-3'
Protein context (NP_005214.2, residues 171-191): DVYLDVQEKW[Gly181=]LEDVMLMGDF

ClinVar aggregate classification (germline): Likely benign (1 of 4 stars; one submission).

Allele frequency attached by ClinVar (database versions not stated): TOPMed below 0.00001; gnomAD exomes 0.00001; ExAC 0.00002.
gnomAD v4.1: 11 of 1,614,134 alleles (0.00068%); highest among the groups gnomAD compares: Middle Eastern, 0.033%; 1 homozygote.

Submission:

CeGaT Center for Human Genetics Tuebingen
Classification: Likely benign. Last evaluated: 2024-05-01. Review status: criteria provided, single submitter. Criteria: CeGaT Center For Human Genetics Tuebingen Variant Classification Criteria Version 2. Collection method: clinical testing. Allele origin: germline. Affected: yes. Observed: 1 variant allele.
Comment: DNASE1: BP4, BP7